The following is an entry in ClinVar:

NM_206933.4(USH2A):c.12334G>A (p.Gly4112Ser)

Gene: USH2A (usherin; minus strand). Cytogenetic location: 1q41.
Variant type: single nucleotide variant.
Coding change: c.12334G>A on transcript NM_206933.4 (MANE Select); coding-DNA position 12334, G replaced by A.
Protein change: p.Gly4112Ser; replaces glycine 4112 with serine.
Molecular consequence: missense variant.
Genome position (GRCh38, 1-based): chr1:215,675,577, C>T on the plus strand (G>A on the coding strand, the complement: USH2A is on the minus strand). VCF-style: chr1-215675577-C-T. GRCh37 (hg19) VCF-style: chr1-215848919-C-T.
Other names: short protein forms G4112S.
Identifiers: ClinVar variation 2741764 (VCV002741764.3), dbSNP rs147496855, ClinGen allele CA1393489.
Genomic context (GRCh38, chr1:215,675,577, plus strand): 5'-GGGTCAGTGTGTAGAGAGTGAAAGGATCCAGGCGGCGGAAGAGAAACTGACGATTCAAAC[C>T]AGAGTACTCCAGGAACCCGTCACTGAAGATGTTGTATGTCTACAGAAGGACAGAAGCAAA-3'
Protein context (NP_996816.3, residues 4102-4122): IFSDGFLEYS[Gly4112Ser]LNRQFLFRRL

ClinVar aggregate classification (germline): Uncertain significance (1 of 4 stars; one submission).

Allele frequency attached by ClinVar (database versions not stated): ExAC 0.00002; TOPMed 0.00001; gnomAD exomes 0.00002; gnomAD 0.00002; ESP Exome Variant Server 0.00008.
gnomAD v4.1: 31 of 1,613,976 alleles (0.0019%); highest among the groups gnomAD compares: Non-Finnish European, 0.0025%; no homozygotes.

Submission:

Labcorp Genetics (formerly Invitae), Labcorp
Classification: Uncertain significance. Last evaluated: 2025-03-17. Review status: criteria provided, single submitter. Criteria: Invitae Variant Classification Sherloc (09022015). Collection method: clinical testing. Allele origin: germline.
Comment: This sequence change replaces glycine, which is neutral and non-polar, with serine, which is neutral and polar, at codon 4112 of the USH2A protein (p.Gly4112Ser). This variant is present in population databases (rs147496855, gnomAD 0.003%). This variant has not been reported in the literature in individuals affected with USH2A-related conditions. ClinVar contains an entry for this variant (Variation ID: 2741764). Invitae Evidence Modeling of protein sequence and biophysical properties (such as structural, functional, and spatial information, amino acid conservation, physicochemical variation, residue mobility, and thermodynamic stability) has been performed for this missense variant. However, the output from this modeling did not meet the statistical confidence thresholds required to predict the impact of this variant on USH2A protein function. In summary, the available evidence is currently insufficient to determine the role of this variant in disease. Therefore, it has been classified as a Variant of Uncertain Significance.